The following is an entry in ClinVar:

ClinVar aggregate classification (germline): Pathogenic (1 of 4 stars; one submission).

Conditions:
Inborn genetic diseases. Identifiers: MedGen C0950123, MeSH D030342.

Submission:

Ambry Genetics
Classification: Pathogenic for Inborn genetic diseases. Last evaluated: 2025-01-30. Review status: criteria provided, single submitter. Criteria: Ambry Variant Classification Scheme 2023. Collection method: clinical testing. Allele origin: germline.
Comment: The c.824_835delTCCTTGCGACTCinsG (p.F275Cfs*4) alteration, located in exon 6 (coding exon 6) of the DYRK1A gene, consists of a deletion of 12 and insertion of 1 nucleotides causing a translational frameshift at position 824 with a predicted alternate stop codon after 4 amino acids. This alteration is expected to result in loss of function by premature protein truncation or nonsense-mediated mRNA decay. This variant was not reported in population-based cohorts in the Genome Aggregation Database (gnomAD). Based on the available evidence, this alteration is classified as pathogenic.

NM_001347721.2(DYRK1A):c.797_808delinsG (p.Phe266fs)

Gene: DYRK1A (dual specificity tyrosine phosphorylation regulated kinase 1A; plus strand). Cytogenetic location: 21q22.13.
Variant type: Indel.
Coding change: c.797_808delinsG on transcript NM_001347721.2 (MANE Select); coding-DNA positions 797 to 808, TCCTTGCGACTC replaced by G.
Protein change: p.Phe266fs; shifts the reading frame from phenylalanine 266.
Molecular consequence: frameshift variant.
Genome position (GRCh38, 1-based): chr21:37,490,334-37,490,345, TCCTTGCGACTC replaced by G. VCF-style: chr21-37490334-TCCTTGCGACTC-G. GRCh37 (hg19) VCF-style: chr21-38862636-TCCTTGCGACTC-G.
Other names: c.797_808delinsG, p.Phe266fs (NM_001347722.2, NM_130436.2); c.710_721delinsG, p.Phe237fs (NM_001347723.2); c.824_835delinsG, p.Phe275fs (NM_001396.5, NM_101395.2, NM_130438.2); short protein forms F266fs, F237fs, F275fs.
Identifiers: ClinVar variation 3843087 (VCV003843087.1).